The following is an entry in ClinVar:

NM_000503.6(EYA1):c.65G>A (p.Gly22Asp)

Gene: EYA1 (EYA transcriptional coactivator and phosphatase 1; minus strand). Cytogenetic location: 8q13.3.
Variant type: single nucleotide variant.
Coding change: c.65G>A on transcript NM_000503.6 (MANE Select); coding-DNA position 65, G replaced by A.
Protein change: p.Gly22Asp; replaces glycine 22 with aspartic acid.
Molecular consequence: missense variant. On other transcripts: 5 prime UTR variant (1).
Genome position (GRCh38, 1-based): chr8:71,354,841, C>T on the plus strand (G>A on the coding strand, the complement: EYA1 is on the minus strand). VCF-style: chr8-71354841-C-T. GRCh37 (hg19) VCF-style: chr8-72267076-C-T.
Other names: c.65G>A (NM_000503.4); c.65G>A, p.Gly22Asp (NM_001288574.2, NM_001370334.1, NM_001370335.1 and 1 more transcripts); c.-220G>A (NM_001288575.2); c.152G>A, p.Gly51Asp (NM_001370333.1, NM_001370336.1, NM_172059.5); short protein forms G22D, G51D.
Identifiers: ClinVar variation 163441 (VCV000163441.10), dbSNP rs727503049, ClinGen allele CA176088.

ClinVar aggregate classification (germline): Conflicting classifications of pathogenicity. Review status: criteria provided, conflicting classifications (1 of 4 stars). 4 submissions from 4 submitters: Uncertain significance (2); Benign (1); Likely benign (1). Last evaluated 2025-05-29.

Conditions:
Inborn genetic diseases. Identifiers: MedGen C0950123, MeSH D030342.
Melnick-Fraser syndrome (BOR). Also called: Branchio-oto-renal syndrome; Branchiootorenal Syndrome (BORS); Branchiootorenal syndrome. Identifiers: Orphanet 107, MedGen C0265234, MONDO:0007029.
Otofaciocervical syndrome 1 (OTFCS). Identifiers: MedGen C3714941, MONDO:0024532, OMIM 166780.
Branchiootic syndrome 1 (BOS1). Also called: BO SYNDROME 1; BRANCHIOOTIC DYSPLASIA. Identifiers: MedGen C1865143, MONDO:0011258, OMIM 602588.
Branchiootorenal syndrome 1. Also called: Branchio-Oto-Renal Syndrome 1. Identifiers: Orphanet 107, MedGen C4551702, MONDO:0007236, OMIM 113650.

Allele frequency attached by ClinVar (database versions not stated): gnomAD exomes 0.00002 and 0.00003; ExAC 0.00003; gnomAD 0.00005 and 0.00006; TOPMed 0.00005.
gnomAD v4.1: 35 of 1,613,470 alleles (0.0022%); highest among the groups gnomAD compares: Non-Finnish European, 0.0028%; no homozygotes.

Submissions (4):

Ambry Genetics
Classification: Uncertain significance for Inborn genetic diseases. Last evaluated: 2025-05-29. Review status: criteria provided, single submitter. Criteria: Ambry Variant Classification Scheme 2023. Collection method: clinical testing. Allele origin: germline.

Fulgent Genetics
Classification: Likely benign for Branchiootorenal syndrome 1; Otofaciocervical syndrome 1; Branchiootic syndrome 1. Last evaluated: 2024-01-25. Review status: criteria provided, single submitter. Criteria: ACMG Guidelines, 2015. Collection method: clinical testing. Allele origin: germline.

Labcorp Genetics (formerly Invitae), Labcorp
Classification: Benign for Melnick-Fraser syndrome. Last evaluated: 2023-11-07. Review status: criteria provided, single submitter. Criteria: Invitae Variant Classification Sherloc (09022015). Collection method: clinical testing. Allele origin: germline.

Laboratory for Molecular Medicine, Mass General Brigham Personalized Medicine
Classification: Uncertain significance. Last evaluated: 2013-10-06. Review status: criteria provided, single submitter. Criteria: LMM Criteria. Collection method: clinical testing. Allele origin: germline. Observed: 1 variant allele.
Comment: The Gly22Asp variant in EYA1 has not been reported in individuals with hearing l oss or in large population studies. Computational analyses (biochemical amino ac id properties, conservation, AlignGVGD, PolyPhen2, and SIFT) suggest that the Gl y22Asp variant may not impact the protein, though this information is not predic tive enough to rule out pathogenicity. In summary, additional data is needed to determine the clinical significance of this variant.